The following is an entry in ClinVar:

NM_001387274.1(DCDC1):c.2492C>A (p.Thr831Asn)

Gene: DCDC1 (doublecortin domain containing 1; minus strand). Cytogenetic location: 11p13.
Variant type: single nucleotide variant.
Coding change: c.2492C>A on transcript NM_001387274.1 (MANE Select); coding-DNA position 2492, C replaced by A.
Protein change: p.Thr831Asn; replaces threonine 831 with asparagine.
Molecular consequence: missense variant. On other transcripts: non-coding transcript variant (1).
Genome position (GRCh38, 1-based): chr11:31,064,568, G>T on the plus strand (C>A on the coding strand, the complement: DCDC1 is on the minus strand). VCF-style: chr11-31064568-G-T. GRCh37 (hg19) VCF-style: chr11-31086115-G-T.
Other names: NM_001350255.1:c.1349C>A; c.2492C>A, p.Thr831Asn (NM_001367979.1); short protein forms T831N.
Identifiers: ClinVar variation 3037630 (VCV003037630.2), dbSNP rs289080, ClinGen allele CA5932063.

ClinVar aggregate classification (germline): Benign (0 of 4 stars; one submission).

Conditions:
DCDC1-related disorder. Also called: DCDC1-related condition.

Allele frequency attached by ClinVar (database versions not stated): gnomAD exomes 0.00451; ExAC 0.00993; 1000 Genomes Project 0.03255; gnomAD 0.03358; ESP Exome Variant Server 0.03432; 1000 Genomes Project 30x 0.03685; TOPMed 0.03758.
gnomAD v4.1: 7,986 of 765,966 alleles (1%); highest among the groups gnomAD compares: African/African-American, 12%; 405 homozygotes.

Submission:

PreventionGenetics, part of Exact Sciences
Classification: Benign for DCDC1-related condition. Last evaluated: 2020-02-07. Review status: no assertion criteria provided. Collection method: clinical testing. Allele origin: germline.
Comment: This variant is classified as benign based on ACMG/AMP sequence variant interpretation guidelines (Richards et al. 2015 PMID: 25741868, with internal and published modifications).